The following is an entry in ClinVar:

NM_052947.4(ALPK2):c.4652C>A (p.Ala1551Asp)

Genes: ALPK2 (alpha kinase 2; minus strand), LOC126862764 (BRD4-independent group 4 enhancer GRCh37_chr18:56202574-56203773; plus strand). Cytogenetic location: 18q21.31.
Variant type: single nucleotide variant.
Coding change: c.4652C>A on transcript NM_052947.4 (MANE Select); coding-DNA position 4652, C replaced by A.
Protein change: p.Ala1551Asp; replaces alanine 1551 with aspartic acid.
Molecular consequence: missense variant.
Genome position (GRCh38, 1-based): chr18:58,535,535, G>T on the plus strand (C>A on the coding strand, the complement: ALPK2 is on the minus strand). VCF-style: chr18-58535535-G-T. GRCh37 (hg19) VCF-style: chr18-56202767-G-T.
Other names: short protein forms A1551D.
Identifiers: ClinVar variation 1742193 (VCV001742193.2), dbSNP rs750960307, ClinGen allele CA402560622.

ClinVar aggregate classification (germline): Uncertain significance (1 of 4 stars; one submission).

gnomAD v4.1: 1 of 1,614,160 alleles (0.000062%); highest among the groups gnomAD compares: Admixed American, 0.0017%; no homozygotes.

Submission:

Ambry Genetics
Classification: Uncertain significance. Last evaluated: 2021-06-15. Review status: criteria provided, single submitter. Criteria: Ambry Variant Classification Scheme 2023. Collection method: clinical testing. Allele origin: germline.
Comment: The p.A1551D variant (also known as c.4652C>A), located in coding exon 4 of the ALPK2 gene, results from a C to A substitution at nucleotide position 4652. The alanine at codon 1551 is replaced by aspartic acid, an amino acid with dissimilar properties. This amino acid position is conserved. In addition, this alteration is predicted to be tolerated by in silico analysis. Since supporting evidence is limited at this time, the clinical significance of this alteration remains unclear.